The following is an entry in ClinVar:

NM_006915.3(RP2):c.929dup (p.Cys311fs)

Gene: RP2 (RP2 activator of ARL3 GTPase; plus strand). Cytogenetic location: Xp11.3.
Variant type: Duplication.
Coding change: c.929dup on transcript NM_006915.3 (MANE Select); coding-DNA position 929, one base duplicated (T; older notation c.929dupT).
Protein change: p.Cys311fs; shifts the reading frame from cysteine 311.
Molecular consequence: frameshift variant.
Genome position (GRCh38, 1-based): chrX:46,877,550, T duplicated. VCF-style (leftmost placement, unchanged base first): chrX-46877549-G-GT. GRCh37 (hg19) VCF-style: chrX-46736984-G-GT.
Other names: short protein forms C311fs.
Identifiers: ClinVar variation 5042485 (VCV005042485.1).

ClinVar aggregate classification (germline): Likely pathogenic (1 of 4 stars; one submission).

Conditions:
Retinal disorder. Also called: Retinopathy; Retinopathies; Retinal Diseases; Retinal disorders. Identifiers: MedGen C0035309, MONDO:0005283, HP:0000488.

Submission:

Genetics Laboratory, Great Ormond Street Hospital NHS Foundation Trust, North Thames Genomic Laboratory Hub
Classification: Likely pathogenic for Retinal disorders. Last evaluated: 2026-09-08. Review status: criteria provided, single submitter. Criteria: ACGS Best Practice Guidelines for Variant Classification in Rare Disease 2024 v1.2. Collection method: clinical testing. Allele origin: germline. Affected: yes.
Comment: PS4_moderate, PM2_moderate, PVS1_strong, PP1_supporting